The following is an entry in ClinVar:

NM_016042.4(EXOSC3):c.-11T>C

Gene: EXOSC3 (exosome component 3; minus strand). Cytogenetic location: 9p13.2.
Variant type: single nucleotide variant.
Coding change: c.-11T>C on transcript NM_016042.4 (MANE Select); 11 bases upstream of the start codon, T replaced by C.
Molecular consequence: 5 prime UTR variant.
Genome position (GRCh38, 1-based): chr9:37,785,055, A>G on the plus strand (T>C on the coding strand, the complement: EXOSC3 is on the minus strand). VCF-style: chr9-37785055-A-G. GRCh37 (hg19) VCF-style: chr9-37785052-A-G.
Other names: c.-11T>C (NM_001002269.2).
Identifiers: ClinVar variation 366879 (VCV000366879.5), dbSNP rs373191549, ClinGen allele CA5062903.

ClinVar aggregate classification (germline): Conflicting classifications of pathogenicity. Review status: criteria provided, conflicting classifications (1 of 4 stars). 2 submissions from 2 submitters: Uncertain significance (1); Likely benign (1). Last evaluated 2018-01-13.

Conditions:
Pontocerebellar hypoplasia type 1B. Also called: EXOSC3 Pontocerebellar Hypoplasia. Identifiers: Orphanet 2254, MedGen C3553449, MONDO:0013853, OMIM 614678.

Allele frequency attached by ClinVar (database versions not stated): 1000 Genomes Project 30x 0.00016; 1000 Genomes Project 0.00020; ExAC 0.00027; gnomAD exomes 0.00029; ESP Exome Variant Server 0.00031; gnomAD 0.00031 and 0.00033; TOPMed 0.00033.
gnomAD v4.1: 966 of 1,586,466 alleles (0.061%); highest among the groups gnomAD compares: Non-Finnish European, 0.08%; 1 homozygote.

Submissions (2):

Illumina Laboratory Services, Illumina
Classification: Uncertain significance for Pontocerebellar hypoplasia type 1B. Last evaluated: 2018-01-13. Review status: criteria provided, single submitter. Criteria: ICSL Variant Classification Criteria 13 December 2019. Collection method: clinical testing. Allele origin: germline.

GeneDx
Classification: Likely benign. Last evaluated: 2016-11-02. Review status: criteria provided, single submitter. Criteria: GeneDx Variant Classification (06012015). Collection method: clinical testing. Allele origin: germline. Affected: yes.
Comment: This variant is considered likely benign or benign based on one or more of the following criteria: it is a conservative change, it occurs at a poorly conserved position in the protein, it is predicted to be benign by multiple in silico algorithms, and/or has population frequency not consistent with disease.